The following is an entry in ClinVar:

ClinVar aggregate classification (germline): Uncertain significance (1 of 4 stars; one submission).

Conditions:
Hereditary spastic paraplegia 11. Also called: Spastic Paraplegia 11; SPASTIC PARAPLEGIA, AUTOSOMAL RECESSIVE, COMPLICATED, WITH THIN CORPUS CALLOSUM; SPASTIC PARAPLEGIA, AUTOSOMAL RECESSIVE, WITH MENTAL IMPAIRMENT AND THIN CORPUS CALLOSUM; Nakamura Osame syndrome; Autosomal recessive hereditary spastic paraplegia, mental impairment, and thin corpus callosum; Spastic paraplegia, mental retardation and thin corpus callosum. Identifiers: Orphanet 2822, MedGen C1858479, MONDO:0011445, OMIM 604360.

Allele frequency attached by ClinVar (database versions not stated): gnomAD exomes below 0.00001 and 0.00001; ExAC 0.00001.
gnomAD v4.1: 3 of 1,614,150 alleles (0.00019%); highest among the groups gnomAD compares: Non-Finnish European, 0.00025%; no homozygotes.

Submission:

Labcorp Genetics (formerly Invitae), Labcorp
Classification: Uncertain significance for Hereditary spastic paraplegia 11. Last evaluated: 2024-11-23. Review status: criteria provided, single submitter. Criteria: Invitae Variant Classification Sherloc (09022015). Collection method: clinical testing. Allele origin: germline.
Comment: This sequence change affects codon 2067 of the SPG11 mRNA. It is a 'silent' change, meaning that it does not change the encoded amino acid sequence of the SPG11 protein. This variant is present in population databases (rs764991726, gnomAD 0.0009%). This variant has been observed in individual(s) with amyotrophic lateral sclerosis (PMID: 32397312). ClinVar contains an entry for this variant (Variation ID: 1007145). Algorithms developed to predict the effect of sequence changes on RNA splicing suggest that this variant may disrupt the consensus splice site. In summary, the available evidence is currently insufficient to determine the role of this variant in disease. Therefore, it has been classified as a Variant of Uncertain Significance.

Literature cited by the submitters: PubMed 32397312.

NM_025137.4(SPG11):c.6201A>T (p.Gly2067=)

Gene: SPG11 (SPG11 vesicle trafficking associated, spatacsin; minus strand). Cytogenetic location: 15q21.1.
Variant type: single nucleotide variant.
Coding change: c.6201A>T on transcript NM_025137.4 (MANE Select); coding-DNA position 6201, A replaced by T.
Protein change: p.Gly2067=; no amino-acid change (glycine 2067 retained).
Molecular consequence: synonymous variant. On other transcripts: intron variant (1).
Genome position (GRCh38, 1-based): chr15:44,573,551, T>A on the plus strand (A>T on the coding strand, the complement: SPG11 is on the minus strand). VCF-style: chr15-44573551-T-A. GRCh37 (hg19) VCF-style: chr15-44865749-T-A.
Other names: c.5867-731A>T (NM_001160227.2).
Identifiers: ClinVar variation 1007145 (VCV001007145.8), dbSNP rs764991726, ClinGen allele CA7534242.